The following is an entry in ClinVar:

NM_000459.5(TEK):c.*5G>A

Gene: TEK (TEK receptor tyrosine kinase; plus strand). Cytogenetic location: 9p21.2.
Variant type: single nucleotide variant.
Coding change: c.*5G>A on transcript NM_000459.5 (MANE Select); 5 bases downstream of the stop codon, G replaced by A.
Molecular consequence: 3 prime UTR variant.
Genome position (GRCh38, 1-based): chr9:27,229,237, G>A. VCF-style: chr9-27229237-G-A. GRCh37 (hg19) VCF-style: chr9-27229235-G-A.
Other names: c.*5G>A (NM_001290077.2, NM_001290078.2, NM_001375475.1 and 1 more transcripts).
Identifiers: ClinVar variation 3046101 (VCV003046101.4), dbSNP rs112801403, ClinGen allele CA5016849.
Genomic context (GRCh38, chr9:27,229,237, plus strand): 5'-TTTATGAGAAGTTTACTTATGCAGGAATTGACTGTTCTGCTGAAGAAGCGGCCTAGGACA[G>A]AACATCTGTATACCCTCTGTTTCCCTTTCACTGGCATGGGAGACCCTTGACACCTGCTGA-3'

ClinVar aggregate classification (germline): Benign/Likely benign. Review status: criteria provided, multiple submitters, no conflicts (2 of 4 stars). 3 submissions from 3 submitters: Benign (1); Likely benign (1). 1 of the submissions does not count toward it. Last evaluated 2025-03-05.

Conditions:
TEK-related disorder. Also called: TEK-related condition.

Allele frequency attached by ClinVar (database versions not stated): 1000 Genomes Project 0.00260; 1000 Genomes Project 30x 0.00265; TOPMed 0.00381; ESP Exome Variant Server 0.00400.
gnomAD v4.1: 1,065 of 1,613,674 alleles (0.066%); highest among the groups gnomAD compares: African/African-American, 1.3%; 7 homozygotes.

Submissions (3):

Mayo Clinic Laboratories, Mayo Clinic
Classification: Benign. Last evaluated: 2025-03-05. Review status: criteria provided, single submitter. Criteria: ACMG Guidelines, 2015. Collection method: clinical testing. Allele origin: germline. Observed: 3 variant alleles.
Comment: BS1, BS2, BP4, BP7

Blueprint Genetics
Classification: Likely benign. Last evaluated: 2024-10-22. Review status: criteria provided, single submitter. Criteria: ACMG Guidelines, 2015. Collection method: clinical testing. Allele origin: germline.

PreventionGenetics, part of Exact Sciences
Classification: Benign for TEK-related condition. Last evaluated: 2019-11-06. Review status: no assertion criteria provided. Collection method: clinical testing. Allele origin: germline. Not counted in ClinVar's aggregate classification.
Comment: This variant is classified as benign based on ACMG/AMP sequence variant interpretation guidelines (Richards et al. 2015 PMID: 25741868, with internal and published modifications).